The following is an entry in ClinVar:

ClinVar aggregate classification (germline): Likely pathogenic (1 of 4 stars; one submission).

Submission:

Dasa
Classification: Likely pathogenic. Last evaluated: 2026-02-18. Review status: criteria provided, single submitter. Criteria: DASA Assertion Criteria. Collection method: clinical testing. Allele origin: germline.
Comment: NM_006502.3(POLH):c.673delinsTT (p.Leu225Phefs*33) is a frameshift variant in POLH predicted to alter the reading frame and introduce a premature termination codon and is predicted to result in an absent or altered protein product. Loss of function is an established disease mechanism for POLH-associated disorders. Also, this variant is absent from population databases. Based on the currently available evidence, this variant is classified as likely pathogenic.

NM_006502.3(POLH):c.673delinsTT (p.Leu225fs)

Gene: POLH (DNA polymerase eta; plus strand). Cytogenetic location: 6p21.1.
Variant type: Indel.
Coding change: c.673delinsTT on transcript NM_006502.3 (MANE Select); coding-DNA position 673, C replaced by TT.
Protein change: p.Leu225fs; shifts the reading frame from leucine 225.
Molecular consequence: frameshift variant.
Genome position (GRCh38, 1-based): chr6:43,601,000, C replaced by TT. VCF-style: chr6-43601000-C-TT. GRCh37 (hg19) VCF-style: chr6-43568737-C-TT.
Other names: c.301delinsTT, p.Leu101fs (NM_001291969.2); c.673delinsTT, p.Leu225fs (NM_001291970.2); short protein forms L101fs, L225fs.
Identifiers: ClinVar variation 4886436 (VCV004886436.2).